The following is an entry in ClinVar:

NM_004356.4(CD81):c.517A>G (p.Asn173Asp)

Gene: CD81 (CD81 molecule; plus strand). Cytogenetic location: 11p15.5.
Variant type: single nucleotide variant.
Coding change: c.517A>G on transcript NM_004356.4 (MANE Select); coding-DNA position 517, A replaced by G.
Protein change: p.Asn173Asp; replaces asparagine 173 with aspartic acid.
Molecular consequence: missense variant.
Genome position (GRCh38, 1-based): chr11:2,395,926, A>G. VCF-style: chr11-2395926-A-G. GRCh37 (hg19) VCF-style: chr11-2417156-A-G.
Other names: c.304A>G, p.Asn102Asp (NM_001297649.2, NM_001425129.1, NM_001425130.1 and 4 more transcripts); c.640A>G, p.Asn214Asp (NM_001425135.1); c.517A>G, p.Asn173Asp (NM_001425137.1); short protein forms N102D, N214D, N173D.
Identifiers: ClinVar variation 3998345 (VCV003998345.2).

ClinVar aggregate classification (germline): Uncertain significance. Review status: criteria provided, multiple submitters, no conflicts (2 of 4 stars). 2 submissions from 2 submitters: Uncertain significance (2). Last evaluated 2025-08-04.

gnomAD v4.1: 13 of 1,612,434 alleles (0.00081%); highest among the groups gnomAD compares: African/African-American, 0.015%; no homozygotes.

Submissions (2):

Labcorp Genetics (formerly Invitae), Labcorp
Classification: Uncertain significance. Last evaluated: 2025-08-04. Review status: criteria provided, single submitter. Criteria: Invitae Variant Classification Sherloc (09022015). Collection method: clinical testing. Allele origin: germline.
Comment: This sequence change replaces asparagine, which is neutral and polar, with aspartic acid, which is acidic and polar, at codon 173 of the CD81 protein (p.Asn173Asp). This variant is present in population databases (rs138631483, gnomAD 0.02%). This variant has not been reported in the literature in individuals affected with CD81-related conditions. ClinVar contains an entry for this variant (Variation ID: 3998345). An algorithm developed to predict the effect of missense changes on protein structure and function outputs the following: PolyPhen-2: "Benign". The aspartic acid amino acid residue is found in multiple mammalian species, which suggests that this missense change does not adversely affect protein function. In summary, the available evidence is currently insufficient to determine the role of this variant in disease. Therefore, it has been classified as a Variant of Uncertain Significance.

Ambry Genetics
Classification: Uncertain significance. Last evaluated: 2025-04-09. Review status: criteria provided, single submitter. Criteria: Ambry Variant Classification Scheme 2023. Collection method: clinical testing. Allele origin: germline.